The following is an entry in ClinVar:

ClinVar aggregate classification (germline): Uncertain significance (1 of 4 stars; one submission).

Submission:

GeneDx
Classification: Uncertain significance. Last evaluated: 2026-03-24. Review status: criteria provided, single submitter. Criteria: GeneDx Variant Classification Process June 2021. Collection method: clinical testing. Allele origin: germline.
Comment: Not observed at significant frequency in large population cohorts (gnomAD); In silico analysis supports that this missense variant has a deleterious effect on protein structure/function; Has not been previously published as pathogenic or benign to our knowledge

NM_001369268.1(ACAN):c.872A>C (p.Gln291Pro)

Gene: ACAN (aggrecan; plus strand). Cytogenetic location: 15q26.1.
Variant type: single nucleotide variant.
Coding change: c.872A>C on transcript NM_001369268.1 (MANE Select); coding-DNA position 872, A replaced by C.
Protein change: p.Gln291Pro; replaces glutamine 291 with proline.
Molecular consequence: missense variant.
Genome position (GRCh38, 1-based): chr15:88,843,469, A>C. VCF-style: chr15-88843469-A-C. GRCh37 (hg19) VCF-style: chr15-89386700-A-C.
Other names: c.872A>C, p.Gln291Pro (NM_001135.4, NM_001411096.1, NM_001411097.1 and 1 more transcripts); short protein forms Q291P.
Identifiers: ClinVar variation 5017330 (VCV005017330.1).